The following is an entry in ClinVar:

ClinVar aggregate classification (germline): Uncertain significance. Review status: criteria provided, multiple submitters, no conflicts (2 of 4 stars). 2 submissions from 2 submitters: Uncertain significance (2). Last evaluated 2024-05-31.

Conditions:
Charcot-Marie-Tooth disease type 2. Also called: Charcot-Marie-Tooth type 2. Identifiers: Orphanet 64746, MedGen C0270914, MONDO:0018993.

Allele frequency attached by ClinVar (database versions not stated): gnomAD exomes below 0.00001.
gnomAD v4.1: 1 of 1,613,796 alleles (0.000062%); highest among the groups gnomAD compares: Non-Finnish European, 0.000085%; no homozygotes.

Submissions (2):

Ambry Genetics
Classification: Uncertain significance. Last evaluated: 2024-05-31. Review status: criteria provided, single submitter. Criteria: Ambry Variant Classification Scheme 2023. Collection method: clinical testing. Allele origin: germline.
Comment: The p.S1559N variant (also known as c.4676G>A), located in coding exon 41 of the KIF1B gene, results from a G to A substitution at nucleotide position 4676. The serine at codon 1559 is replaced by asparagine, an amino acid with highly similar properties. This amino acid position is conserved. In addition, this alteration is predicted to be tolerated by in silico analysis. Since supporting evidence is limited at this time, the clinical significance of this alteration remains unclear.

Labcorp Genetics (formerly Invitae), Labcorp
Classification: Uncertain significance for Charcot-Marie-Tooth disease type 2. Last evaluated: 2022-07-12. Review status: criteria provided, single submitter. Criteria: Invitae Variant Classification Sherloc (09022015). Collection method: clinical testing. Allele origin: germline.
Comment: This sequence change replaces serine, which is neutral and polar, with asparagine, which is neutral and polar, at codon 1559 of the KIF1B protein (p.Ser1559Asn). This variant is not present in population databases (gnomAD no frequency). This variant has not been reported in the literature in individuals affected with KIF1B-related conditions. ClinVar contains an entry for this variant (Variation ID: 1428274). Algorithms developed to predict the effect of missense changes on protein structure and function are either unavailable or do not agree on the potential impact of this missense change (SIFT: "Deleterious"; PolyPhen-2: "Probably Damaging"; Align-GVGD: "Class C0"). In summary, the available evidence is currently insufficient to determine the role of this variant in disease. Therefore, it has been classified as a Variant of Uncertain Significance.

NM_001365951.3(KIF1B):c.4814G>A (p.Ser1605Asn)

Gene: KIF1B (kinesin family member 1B; plus strand). Cytogenetic location: 1p36.22.
Variant type: single nucleotide variant.
Coding change: c.4814G>A on transcript NM_001365951.3 (MANE Select); coding-DNA position 4814, G replaced by A.
Protein change: p.Ser1605Asn; replaces serine 1605 with asparagine.
Molecular consequence: missense variant.
Genome position (GRCh38, 1-based): chr1:10,368,528, G>A. VCF-style: chr1-10368528-G-A. GRCh37 (hg19) VCF-style: chr1-10428586-G-A.
Other names: c.4814G>A, p.Ser1605Asn (NM_001365952.1); c.4676G>A, p.Ser1559Asn (NM_015074.3); short protein forms S1605N, S1559N.
Identifiers: ClinVar variation 1428274 (VCV001428274.9), dbSNP rs978846620, ClinGen allele CA17852570.